The following is an entry in ClinVar:

ClinVar aggregate classification (germline): Pathogenic. Review status: criteria provided, multiple submitters, no conflicts (2 of 4 stars). 6 submissions from 6 submitters: Pathogenic (5). 1 of the submissions does not count toward it. Last evaluated 2024-11-02.

Conditions:
MYO15A-related disorder. Also called: MYO15A-related condition.
Autosomal recessive nonsyndromic hearing loss 3. Also called: NEUROSENSORY NONSYNDROMIC RECESSIVE DEAFNESS 3. Identifiers: Orphanet 90636, MedGen C1838263, MONDO:0010860, OMIM 600316.

Allele frequency attached by ClinVar (database versions not stated): gnomAD exomes below 0.00001 and 0.00001; gnomAD 0.00001.
gnomAD v4.1: 16 of 1,613,808 alleles (0.00099%); highest among the groups gnomAD compares: Non-Finnish European, 0.0013%; no homozygotes.

Submissions (6):

ENT and Head and Neck Research Center and Department,  The Five Senses Health Institute, Iran University of Medical Sciences
Classification: Pathogenic for Autosomal recessive nonsyndromic hearing loss 3. Last evaluated: 2024-11-02. Review status: criteria provided, single submitter. Criteria: ClinGen HL ACMG Specifications v1. Collection method: clinical testing. Allele origin: germline. Affected: yes.
Comment: PVS1: Null variant (nonsense) in gene MYO15A, predicted to cause NMD. Loss-of-function is a known mechanism of disease (gene has 448 reported pathogenic LOF variants). The exon affects 2 functional domains: UniProt protein MYO15_HUMAN domain 'MyTH4 2' and UniProt protein MYO15_HUMAN region of interest 'Tail'. The exon contains 4 pathogenic variants. The truncated region contains 68 pathogenic variants., PM2: GnomAD genomes homozygous allele count = 0 is less than 2 for AR gene MYO15A, good gnomAD genomes coverage = 32.2, PP5: Combined evidence strength is Moderate (score = 2).Moderate: ClinVar classifies this variant as Pathogenic, 2 stars (reviewed Mar '24, 3 submissions), citing 5 articles (35346193, 33095980, 30896630, 23208854 and 17546645).

Labcorp Genetics (formerly Invitae), Labcorp
Classification: Pathogenic. Last evaluated: 2023-05-26. Review status: criteria provided, single submitter. Criteria: Invitae Variant Classification Sherloc (09022015). Collection method: clinical testing. Allele origin: germline.
Comment: For these reasons, this variant has been classified as Pathogenic. ClinVar contains an entry for this variant (Variation ID: 1301978). This premature translational stop signal has been observed in individuals with deafness (PMID: 23208854, 30896630, 33095980, 35346193). This variant is present in population databases (no rsID available, gnomAD 0.002%). This sequence change creates a premature translational stop signal (p.Arg3134*) in the MYO15A gene. It is expected to result in an absent or disrupted protein product. Loss-of-function variants in MYO15A are known to be pathogenic (PMID: 17546645).

Blueprint Genetics
Classification: Pathogenic for MYO15A-related disorders. Last evaluated: 2022-07-08. Review status: criteria provided, single submitter. Criteria: ACMG Guidelines, 2015. Collection method: clinical testing. Allele origin: germline. Affected: yes. Observed: 3 variant alleles.

Revvity Omics, Revvity
Classification: Pathogenic for Autosomal recessive nonsyndromic hearing loss 3. Last evaluated: 2020-06-30. Review status: criteria provided, single submitter. Criteria: ACMG Guidelines, 2015. Collection method: clinical testing. Allele origin: germline.

Molecular Diagnosis Center for Deafness
Classification: Pathogenic for Autosomal recessive nonsyndromic hearing loss 3. Review status: criteria provided, single submitter. Criteria: ClinGen HL ACMG Specifications v1. Collection method: clinical testing. Allele origin: maternal. Observed: 1 variant allele.

Molecular Genetics Laboratory, BC Children's and BC Women's Hospitals
Classification: Pathogenic for Autosomal recessive nonsyndromic hearing loss 3. Last evaluated: 2025-07-08. Review status: no assertion criteria provided. Criteria: ACMG Guidelines, 2015. Collection method: clinical testing. Allele origin: unknown. Affected: yes. Not counted in ClinVar's aggregate classification.

Literature cited by the submitters: DOI 10.1038/s41598-025-99417-7 (cited by ENT and Head and Neck Research Center and Department,  The Five Senses Health Institute, Iran University of Medical Sciences); PubMed 23208854 (cited by Labcorp Genetics (formerly Invitae), Labcorp); PubMed 30896630 (cited by Labcorp Genetics (formerly Invitae), Labcorp); PubMed 33095980 (cited by Labcorp Genetics (formerly Invitae), Labcorp); PubMed 35346193 (cited by Labcorp Genetics (formerly Invitae), Labcorp); PubMed 17546645 (cited by Labcorp Genetics (formerly Invitae), Labcorp).

NM_016239.4(MYO15A):c.9400C>T (p.Arg3134Ter)

Genes: MYO15A (myosin XVA; plus strand), LOC130060418 (ATAC-STARR-seq lymphoblastoid active region 11828; plus strand). Cytogenetic location: 17p11.2.
Variant type: single nucleotide variant.
Coding change: c.9400C>T on transcript NM_016239.4 (MANE Select); coding-DNA position 9400, C replaced by T.
Protein change: p.Arg3134Ter; replaces arginine 3134 with a stop codon.
Molecular consequence: nonsense.
Genome position (GRCh38, 1-based): chr17:18,161,330, C>T. VCF-style: chr17-18161330-C-T. GRCh37 (hg19) VCF-style: chr17-18064644-C-T.
Other names: c.9400C>T (NM_016239.3); short protein forms R3134*.
Identifiers: ClinVar variation 1301978 (VCV001301978.26), dbSNP rs1330631412, ClinGen allele CA398636083.